The following is an entry in ClinVar:

ClinVar aggregate classification (germline): Pathogenic (1 of 4 stars; one submission).

Conditions:
Pyruvate dehydrogenase E3 deficiency (DLDD). Also called: Lipoamide dehydrogenase deficiency, lactic acidosis due to; MAPLE SYRUP URINE DISEASE, TYPE III; Dihydrolipoamide Dehydrogenase (E3) Deficiency; Dihydrolipoamide Dehydrogenase E3 Deficiency; DLD DEFICIENCY; E3 DEFICIENCY. Identifiers: Orphanet 2394, Orphanet 765, MedGen C5574660, MONDO:0009529, OMIM 246900.

Submission:

Labcorp Genetics (formerly Invitae), Labcorp
Classification: Pathogenic for Pyruvate dehydrogenase E3 deficiency. Last evaluated: 2022-01-06. Review status: criteria provided, single submitter. Criteria: Invitae Variant Classification Sherloc (09022015). Collection method: clinical testing. Allele origin: germline.
Comment: A gross deletion of the genomic region encompassing the full coding sequence of the DLD gene has been identified. Loss-of-function variants in DLD are known to be pathogenic (PMID: 8968745, 9934985). The boundaries of this event are unknown as they extend beyond the assayed region for this gene and therefore may encompass additional genes. This variant has not been reported in the literature in individuals affected with DLD-related conditions. For these reasons, this variant has been classified as Pathogenic.

Literature cited by the submitters: PubMed 8968745; PubMed 9934985.

NC_000007.13:g.(?_107412489)_(107559714_?)del

Genes: DLD (dihydrolipoamide dehydrogenase; plus strand), SLC26A3 (solute carrier family 26 member 3; minus strand). Cytogenetic location: 7q31.1.
Variant type: Deletion.
Identifiers: ClinVar variation 2422364 (VCV002422364.3).